The following is an entry in ClinVar:

NM_001220.5(CAMK2B):c.1868C>T (p.Thr623Met)

Gene: CAMK2B (calcium/calmodulin dependent protein kinase II beta; minus strand). Cytogenetic location: 7p13.
Variant type: single nucleotide variant.
Coding change: c.1868C>T on transcript NM_001220.5 (MANE Select); coding-DNA position 1868, C replaced by T.
Protein change: p.Thr623Met; replaces threonine 623 with methionine.
Molecular consequence: missense variant.
Genome position (GRCh38, 1-based): chr7:44,220,195, G>A on the plus strand (C>T on the coding strand, the complement: CAMK2B is on the minus strand). VCF-style: chr7-44220195-G-A. GRCh37 (hg19) VCF-style: chr7-44259794-G-A.
Other names: c.1496C>T, p.Thr499Met (NM_001293170.2, NM_172078.3); c.1424C>T, p.Thr475Met (NM_172079.3); c.1421C>T, p.Thr474Met (NM_172080.3); c.1379C>T, p.Thr460Met (NM_172081.3); c.1346C>T, p.Thr449Met (NM_172082.3); c.1307C>T, p.Thr436Met (NM_172083.3); c.1217C>T, p.Thr406Met (NM_172084.3); short protein forms T449M, T474M, T436M, T475M, T499M, T406M, T460M, T623M.
Identifiers: ClinVar variation 3677703 (VCV003677703.2).

ClinVar aggregate classification (germline): Uncertain significance (1 of 4 stars; one submission).

gnomAD v4.1: 11 of 1,613,194 alleles (0.00068%); highest among the groups gnomAD compares: East Asian, 0.0022%; no homozygotes.

Submission:

Labcorp Genetics (formerly Invitae), Labcorp
Classification: Uncertain significance. Last evaluated: 2024-10-17. Review status: criteria provided, single submitter. Criteria: Invitae Variant Classification Sherloc (09022015). Collection method: clinical testing. Allele origin: germline.
Comment: This sequence change replaces threonine, which is neutral and polar, with methionine, which is neutral and non-polar, at codon 623 of the CAMK2B protein (p.Thr623Met). This variant is present in population databases (rs767955476, gnomAD 0.01%). This variant has not been reported in the literature in individuals affected with CAMK2B-related conditions. An algorithm developed to predict the effect of missense changes on protein structure and function (PolyPhen-2) suggests that this variant is likely to be disruptive. In summary, the available evidence is currently insufficient to determine the role of this variant in disease. Therefore, it has been classified as a Variant of Uncertain Significance.